The following is an entry in ClinVar:

NM_006946.4(SPTBN2):c.1326C>A (p.Ser442Arg)

Gene: SPTBN2 (spectrin beta, non-erythrocytic 2; minus strand). Cytogenetic location: 11q13.2.
Variant type: single nucleotide variant.
Coding change: c.1326C>A on transcript NM_006946.4 (MANE Select); coding-DNA position 1326, C replaced by A.
Protein change: p.Ser442Arg; replaces serine 442 with arginine.
Molecular consequence: missense variant.
Genome position (GRCh38, 1-based): chr11:66,708,165, G>T on the plus strand (C>A on the coding strand, the complement: SPTBN2 is on the minus strand). VCF-style: chr11-66708165-G-T. GRCh37 (hg19) VCF-style: chr11-66475636-G-T.
Other names: c.1347C>A, p.Ser449Arg (NM_001411025.1); c.1326C>A (NM_006946.2); short protein forms S449R, S442R.
Identifiers: ClinVar variation 1974741 (VCV001974741.7), dbSNP rs189411136, ClinGen allele CA224090432.

ClinVar aggregate classification (germline): Uncertain significance. Review status: criteria provided, multiple submitters, no conflicts (2 of 4 stars). 3 submissions from 3 submitters: Uncertain significance (3). Last evaluated 2024-09-03.

Conditions:
Inborn genetic diseases. Identifiers: MedGen C0950123, MeSH D030342.

gnomAD v4.1: 11 of 1,613,000 alleles (0.00068%); highest among the groups gnomAD compares: Non-Finnish European, 0.00093%; no homozygotes.

Submissions (3):

Ambry Genetics
Classification: Uncertain significance for Inborn genetic diseases. Last evaluated: 2024-09-03. Review status: criteria provided, single submitter. Criteria: Ambry Variant Classification Scheme 2023. Collection method: clinical testing. Allele origin: germline.

Labcorp Genetics (formerly Invitae), Labcorp
Classification: Uncertain significance. Last evaluated: 2023-10-27. Review status: criteria provided, single submitter. Criteria: Invitae Variant Classification Sherloc (09022015). Collection method: clinical testing. Allele origin: germline.
Comment: This sequence change replaces serine, which is neutral and polar, with arginine, which is basic and polar, at codon 442 of the SPTBN2 protein (p.Ser442Arg). This variant is present in population databases (no rsID available, gnomAD 0.002%). This variant has not been reported in the literature in individuals affected with SPTBN2-related conditions. ClinVar contains an entry for this variant (Variation ID: 1974741). Advanced modeling of protein sequence and biophysical properties (such as structural, functional, and spatial information, amino acid conservation, physicochemical variation, residue mobility, and thermodynamic stability) performed at Invitae indicates that this missense variant is not expected to disrupt SPTBN2 protein function with a negative predictive value of 80%. In summary, the available evidence is currently insufficient to determine the role of this variant in disease. Therefore, it has been classified as a Variant of Uncertain Significance.

Blueprint Genetics
Classification: Uncertain significance. Last evaluated: 2021-08-26. Review status: criteria provided, single submitter. Criteria: ACMG Guidelines, 2015. Collection method: clinical testing. Allele origin: germline.